The following is an entry in ClinVar:

ClinVar aggregate classification (germline): Uncertain significance (1 of 4 stars; one submission).

Allele frequency attached by ClinVar (database versions not stated): ExAC below 0.00001; gnomAD exomes below 0.00001 and 0.00003; TOPMed 0.00001.

Submission:

Labcorp Genetics (formerly Invitae), Labcorp
Classification: Uncertain significance. Last evaluated: 2025-12-20. Review status: criteria provided, single submitter. Criteria: Invitae Variant Classification Sherloc (09022015). Collection method: clinical testing. Allele origin: germline.
Comment: This sequence change replaces arginine, which is basic and polar, with histidine, which is basic and polar, at codon 16 of the LRRC10 protein (p.Arg16His). The frequency data for this variant in the population databases is considered unreliable, as metrics indicate poor data quality at this position in the gnomAD database. This variant has not been reported in the literature in individuals affected with LRRC10-related conditions. ClinVar contains an entry for this variant (Variation ID: 1038514). An algorithm developed to predict the effect of missense changes on protein structure and function outputs the following: PolyPhen-2: "Benign". The histidine amino acid residue is found in multiple mammalian species, which suggests that this missense change does not adversely affect protein function. In summary, the available evidence is currently insufficient to determine the role of this variant in disease. Therefore, it has been classified as a Variant of Uncertain Significance.

NM_201550.4(LRRC10):c.47G>A (p.Arg16His)

Gene: LRRC10 (leucine rich repeat containing 10; minus strand). Cytogenetic location: 12q15.
Variant type: single nucleotide variant.
Coding change: c.47G>A on transcript NM_201550.4 (MANE Select); coding-DNA position 47, G replaced by A.
Protein change: p.Arg16His; replaces arginine 16 with histidine.
Molecular consequence: missense variant.
Genome position (GRCh38, 1-based): chr12:69,610,792, C>T on the plus strand (G>A on the coding strand, the complement: LRRC10 is on the minus strand). VCF-style: chr12-69610792-C-T. GRCh37 (hg19) VCF-style: chr12-70004572-C-T.
Other names: short protein forms R16H.
Identifiers: ClinVar variation 1038514 (VCV001038514.8), dbSNP rs746225380, ClinGen allele CA6681152.